The following is an entry in ClinVar:

NM_152564.5(VPS13B):c.9421T>C (p.Leu3141=)

Gene: VPS13B (vacuolar protein sorting 13 homolog B; plus strand). Cytogenetic location: 8q22.2.
Variant type: single nucleotide variant.
Coding change: c.9421T>C on transcript NM_152564.5 (MANE Select); coding-DNA position 9421, T replaced by C.
Protein change: p.Leu3141=; no amino-acid change (leucine 3141 retained).
Molecular consequence: synonymous variant.
Genome position (GRCh38, 1-based): chr8:99,832,459, T>C. VCF-style: chr8-99832459-T-C. GRCh37 (hg19) VCF-style: chr8-100844687-T-C.
Other names: c.9421T>C (NM_152564.4); c.9496T>C, p.Leu3166= (NM_017890.5).
Identifiers: ClinVar variation 1652704 (VCV001652704.10), dbSNP rs373968887, ClinGen allele CA4824711.

ClinVar aggregate classification (germline): Likely benign. Review status: criteria provided, single submitter (1 of 4 stars). 2 submissions from 2 submitters: Likely benign (1). 1 of the submissions does not count toward it. Last evaluated 2024-10-22.

Conditions:
VPS13B-related disorder. Also called: VPS13B-related condition.
Cohen syndrome (COH1). Also called: PEPPER SYNDROME; Cutis verticis gyrata, retinitis pigmentosa, and sensorineural deafness. Identifiers: Orphanet 193, MedGen C0265223, MONDO:0008999, OMIM 216550.

Allele frequency attached by ClinVar (database versions not stated): gnomAD exomes below 0.00001; ExAC 0.00001; gnomAD 0.00003; ESP Exome Variant Server 0.00008.
gnomAD v4.1: 5 of 1,610,656 alleles (0.00031%); highest among the groups gnomAD compares: African/African-American, 0.0067%; no homozygotes.

Submissions (2):

Labcorp Genetics (formerly Invitae), Labcorp
Classification: Likely benign for Cohen syndrome. Last evaluated: 2024-10-22. Review status: criteria provided, single submitter. Criteria: Invitae Variant Classification Sherloc (09022015). Collection method: clinical testing. Allele origin: germline.

PreventionGenetics, part of Exact Sciences
Classification: Likely benign for VPS13B-related condition. Last evaluated: 2023-04-24. Review status: no assertion criteria provided. Collection method: clinical testing. Allele origin: germline. Not counted in ClinVar's aggregate classification.
Comment: This variant is classified as likely benign based on ACMG/AMP sequence variant interpretation guidelines (Richards et al. 2015 PMID: 25741868, with internal and published modifications).